The following is an entry in ClinVar:

NM_013247.5(HTRA2):c.1294C>T (p.Arg432Ter)

Genes: HTRA2 (HtrA serine peptidase 2; plus strand), LOXL3 (lysyl oxidase like 3; minus strand). Cytogenetic location: 2p13.1.
Variant type: single nucleotide variant.
Coding change: c.1294C>T on transcript NM_013247.5 (MANE Select); coding-DNA position 1294, C replaced by T.
Protein change: p.Arg432Ter; replaces arginine 432 with a stop codon.
Molecular consequence: nonsense. On other transcripts: non-coding transcript variant (4), 3 prime UTR variant (3).
Genome position (GRCh38, 1-based): chr2:74,532,902, C>T. VCF-style: chr2-74532902-C-T. GRCh37 (hg19) VCF-style: chr2-74760029-C-T.
Other names: c.1228C>T, p.Arg410Ter (NM_001321727.1); c.1198C>T, p.Arg400Ter (NM_001321728.1); c.1003C>T, p.Arg335Ter (NM_145074.2); c.*704G>A (NM_001289164.3, NM_001289165.2, NM_032603.5); short protein forms R400*, R410*, R335*, R432*.
Identifiers: ClinVar variation 1385413 (VCV001385413.7), dbSNP rs746665790, ClinGen allele CA1728626.

ClinVar aggregate classification (germline): Uncertain significance. Review status: criteria provided, multiple submitters, no conflicts (2 of 4 stars). 3 submissions from 3 submitters: Uncertain significance (3). Last evaluated 2026-03-24.

Conditions:
HTRA2-related disorder. Also called: HTRA2-related condition.
Parkinson disease 13, autosomal dominant, susceptibility to. Identifiers: Orphanet 2828, MedGen C1853202, MONDO:0012466, OMIM 610297.
3-methylglutaconic aciduria type 8. Also called: 3-methylglutaconic aciduria, type VIII. Identifiers: Orphanet 505208, MedGen C4310650, MONDO:0044723, OMIM 617248.

Allele frequency attached by ClinVar (database versions not stated): gnomAD 0.00001; TOPMed 0.00001; ExAC 0.00002.
gnomAD v4.1: 12 of 1,613,902 alleles (0.00074%); highest among the groups gnomAD compares: African/African-American, 0.0013%; no homozygotes.

Submissions (3):

PreventionGenetics, part of Exact Sciences
Classification: Uncertain significance for HTRA2-related condition. Last evaluated: 2026-03-24. Review status: criteria provided, single submitter. Criteria: ACMG Guidelines, 2015. Collection method: clinical testing. Allele origin: germline.
Comment: The HTRA2 c.1294C>T variant is predicted to result in premature protein termination (p.Arg432*). To our knowledge, this variant has not been reported in the literature. This variant is reported in 0.0062% of alleles in individuals of African descent in gnomAD. At this time, the clinical significance of this variant is uncertain due to the absence of conclusive functional and genetic evidence.

Fulgent Genetics
Classification: Uncertain significance for Parkinson disease 13, autosomal dominant, susceptibility to; 3-methylglutaconic aciduria type 8. Last evaluated: 2024-02-13. Review status: criteria provided, single submitter. Criteria: ACMG Guidelines, 2015. Collection method: clinical testing. Allele origin: germline.

Labcorp Genetics (formerly Invitae), Labcorp
Classification: Uncertain significance. Last evaluated: 2021-08-12. Review status: criteria provided, single submitter. Criteria: Invitae Variant Classification Sherloc (09022015). Collection method: clinical testing. Allele origin: germline.
Comment: This sequence change creates a premature translational stop signal (p.Arg432*) in the HTRA2 gene. While this is not anticipated to result in nonsense mediated decay, it is expected to disrupt the last 27 amino acid(s) of the HTRA2 protein. This variant is present in population databases (rs746665790, ExAC 0.01%). This variant has not been reported in the literature in individuals affected with HTRA2-related conditions. In summary, the available evidence is currently insufficient to determine the role of this variant in disease. Therefore, it has been classified as a Variant of Uncertain Significance.